The following is an entry in ClinVar:

NM_006005.3(WFS1):c.1602C>T (p.Tyr534=)

Gene: WFS1 (wolframin ER transmembrane glycoprotein; plus strand). Cytogenetic location: 4p16.1.
Variant type: single nucleotide variant.
Coding change: c.1602C>T on transcript NM_006005.3 (MANE Select); coding-DNA position 1602, C replaced by T.
Protein change: p.Tyr534=; no amino-acid change (tyrosine 534 retained).
Molecular consequence: synonymous variant.
Genome position (GRCh38, 1-based): chr4:6,301,397, C>T. VCF-style: chr4-6301397-C-T. GRCh37 (hg19) VCF-style: chr4-6303124-C-T.
Other names: p.Tyr534=; c.1602C>T, p.Tyr534= (NM_001145853.1).
Identifiers: ClinVar variation 3675105 (VCV003675105.4).
Genomic context (GRCh38, chr4:6,301,397, plus strand): 5'-CTTCTTCCGCATGGCACAGCTGAGGAATTTCAAGGGCACCTACTGCTACCTTGTGCCCTA[C>T]CTGGTGTGCTTCATGTGGTGTGAGCTCTCCGTGGTCATCCTGCTGGAGTCCACCGGCCTG-3'
Protein context (NP_005996.2, residues 524-544): FKGTYCYLVP[Tyr534=]LVCFMWCELS

ClinVar aggregate classification (germline): Likely benign. Review status: criteria provided, multiple submitters, no conflicts (2 of 4 stars). 3 submissions from 3 submitters: Likely benign (3). Last evaluated 2025-10-08.

gnomAD v4.1: 66 of 1,612,496 alleles (0.0041%); highest among the groups gnomAD compares: Non-Finnish European, 0.0053%; no homozygotes.

Submissions (3):

Labcorp Genetics (formerly Invitae), Labcorp
Classification: Likely benign. Last evaluated: 2025-10-08. Review status: criteria provided, single submitter. Criteria: Invitae Variant Classification Sherloc (09022015). Collection method: clinical testing. Allele origin: germline.

Mayo Clinic Laboratories, Mayo Clinic
Classification: Likely benign. Last evaluated: 2025-02-12. Review status: criteria provided, single submitter. Criteria: ACMG Guidelines, 2015. Collection method: clinical testing. Allele origin: germline. Observed: 1 variant allele.
Comment: BP4, BP7

Blueprint Genetics
Classification: Likely benign. Last evaluated: 2021-04-19. Review status: criteria provided, single submitter. Criteria: ACMG Guidelines, 2015. Collection method: clinical testing. Allele origin: germline.